The following is an entry in ClinVar:

ClinVar aggregate classification (germline): Uncertain significance (1 of 4 stars; one submission).

Conditions:
Surfactant metabolism dysfunction, pulmonary, 4 (SMDP4). Also called: PAP DUE TO CSF2RA DEFICIENCY; PULMONARY ALVEOLAR PROTEINOSIS, CONGENITAL, 4; CSF2RA DEFICIENCY. Identifiers: Orphanet 264675, MedGen C2677877, MONDO:0010424, OMIM 300770.

Submission:

Labcorp Genetics (formerly Invitae), Labcorp
Classification: Uncertain significance for Surfactant metabolism dysfunction, pulmonary, 4. Last evaluated: 2019-12-16. Review status: criteria provided, single submitter. Criteria: Invitae Variant Classification Sherloc (09022015). Collection method: clinical testing. Allele origin: germline.
Comment: In summary, the available evidence is currently insufficient to determine the role of this variant in disease. Therefore, it has been classified as a Variant of Uncertain Significance. Algorithms developed to predict the effect of missense changes on protein structure and function (SIFT, PolyPhen-2, Align-GVGD) all suggest that this variant is likely to be disruptive, but these predictions have not been confirmed by published functional studies and their clinical significance is uncertain. This sequence change replaces cysteine with tyrosine at codon 81 of the CSF2RA protein (p.Cys81Tyr). The cysteine residue is highly conserved and there is a large physicochemical difference between cysteine and tyrosine. This variant is not present in population databases (ExAC no frequency). This variant has not been reported in the literature in individuals with CSF2RA-related conditions.

NM_172245.4(CSF2RA):c.242G>A (p.Cys81Tyr)

Gene: CSF2RA (colony stimulating factor 2 receptor subunit alpha; plus strand). Cytogenetic location: Xp22.33.
Variant type: single nucleotide variant.
Coding change: c.242G>A on transcript NM_172245.4 (MANE Select); coding-DNA position 242, G replaced by A.
Protein change: p.Cys81Tyr; replaces cysteine 81 with tyrosine.
Molecular consequence: missense variant. On other transcripts: 5 prime UTR variant (1), non-coding transcript variant (1).
Genome position (GRCh38, 1-based): chrX:1,288,541, G>A. VCF-style: chrX-1288541-G-A. GRCh37 (hg19) VCF-style: chrX-1407434-G-A.
Other names: c.242G>A, p.Cys81Tyr (NM_001161529.2, NM_001161530.2, NM_001161531.2 and 20 more transcripts); c.-158G>A (NM_001161532.2); short protein forms C81Y.
Identifiers: ClinVar variation 836286 (VCV000836286.10), dbSNP rs2091031726, ClinGen allele CA412234950.